The following is an entry in ClinVar:

ClinVar aggregate classification (germline): Benign (1 of 4 stars; one submission).

Conditions:
Triglyceride storage disease with ichthyosis (CDS). Also called: Dorfman-Chanarin disease; ICHTHYOSIFORM ERYTHRODERMA WITH LEUKOCYTE VACUOLATION; TRIGLYCERIDE STORAGE DISEASE WITH IMPAIRED LONG-CHAIN FATTY ACID OXIDATION; Chanarin-Dorfman Syndrome. Identifiers: Orphanet 98907, MedGen C0268238, MONDO:0010155, OMIM 275630.

Allele frequency attached by ClinVar (database versions not stated): gnomAD 0.08101 and 0.08670; TOPMed 0.09215; 1000 Genomes Project 30x 0.13944; 1000 Genomes Project 0.14038.

Submission:

Illumina Laboratory Services, Illumina
Classification: Benign for Triglyceride storage disease with ichthyosis. Last evaluated: 2018-01-12. Review status: criteria provided, single submitter. Criteria: ICSL Variant Classification Criteria 13 December 2019. Collection method: clinical testing. Allele origin: germline.
Comment: This variant was observed in the ICSL laboratory as part of a predisposition screen in an ostensibly healthy population. It had not been previously curated by ICSL or reported in the Human Gene Mutation Database (HGMD: prior to June 1st, 2018), and was therefore a candidate for classification through an automated scoring system. Utilizing variant allele frequency, disease prevalence and penetrance estimates, and inheritance mode, an automated score was calculated to assess if this variant is too frequent to cause the disease. Based on the score and internal cut-off values, a variant classified as benign is not then subjected to further curation. The score for this variant resulted in a classification of benign for this disease.

NM_016006.6(ABHD5):c.*1863G>A

Gene: ABHD5 (abhydrolase domain containing 5, lysophosphatidic acid acyltransferase; plus strand). Cytogenetic location: 3p21.33.
Variant type: single nucleotide variant.
Coding change: c.*1863G>A on transcript NM_016006.6 (MANE Select); 1863 bases downstream of the stop codon, G replaced by A.
Molecular consequence: 3 prime UTR variant. On other transcripts: non-coding transcript variant (1), intron variant (1).
Genome position (GRCh38, 1-based): chr3:43,720,395, G>A. VCF-style: chr3-43720395-G-A. GRCh37 (hg19) VCF-style: chr3-43761887-G-A.
Other names: c.*1863G>A (NM_001365649.1); c.*1889G>A (NM_001365650.1); c.29+1834G>A (NM_001355186.2).
Identifiers: ClinVar variation 345252 (VCV000345252.5), dbSNP rs12488392, ClinGen allele CA10616498.